The following is an entry in ClinVar:

ClinVar aggregate classification (germline): Uncertain significance. Review status: criteria provided, multiple submitters, no conflicts (2 of 4 stars). 5 submissions from 5 submitters: Uncertain significance (5). Last evaluated 2025-11-01.

Conditions:
Inborn genetic diseases. Identifiers: MedGen C0950123, MeSH D030342.
Autosomal recessive spinocerebellar ataxia 10. Identifiers: Orphanet 284289, MedGen C3150998, MONDO:0013392, OMIM 613728.

Allele frequency attached by ClinVar (database versions not stated): TOPMed 0.00007; ESP Exome Variant Server 0.00008; gnomAD 0.00013 and 0.00014.
gnomAD v4.1: 151 of 1,613,710 alleles (0.0094%); highest among the groups gnomAD compares: Non-Finnish European, 0.012%; 1 homozygote.

Submissions (7):

CeGaT Center for Human Genetics Tuebingen
Classification: Uncertain significance. Last evaluated: 2025-11-01. Review status: criteria provided, single submitter. Criteria: CeGaT Center For Human Genetics Tuebingen Variant Classification Criteria Version 2. Collection method: clinical testing. Allele origin: germline. Affected: yes. Observed: 1 variant allele.
Comment: ANO10: PM2:Supporting, BP4

Athena Diagnostics
Classification: Uncertain significance. Last evaluated: 2023-04-27. Review status: criteria provided, single submitter. Criteria: Athena Diagnostics Criteria. Collection method: clinical testing. Allele origin: unknown.
Comment: Available data are insufficient to determine the clinical significance of the variant at this time. The frequency of this variant in the general population is higher than would generally be expected for pathogenic variants in this gene. Computational tools disagree on the variant's effect on normal protein function.

Ambry Genetics
Classification: Uncertain significance for Inborn genetic diseases. Last evaluated: 2023-03-02. Review status: criteria provided, single submitter. Criteria: Ambry Variant Classification Scheme 2023. Collection method: clinical testing. Allele origin: germline.

Institute of Human Genetics, University of Leipzig Medical Center
Classification: Uncertain significance for Autosomal recessive spinocerebellar ataxia 10. Last evaluated: 2019-01-01. Review status: criteria provided, single submitter. Criteria: ACMG Guidelines, 2015. Collection method: clinical testing. Allele origin: unknown. Affected: yes.

Illumina Laboratory Services, Illumina
Classification: Uncertain significance for Autosomal recessive spinocerebellar ataxia 10. Last evaluated: 2018-01-13. Review status: criteria provided, single submitter. Criteria: ICSL Variant Classification Criteria 13 December 2019. Collection method: clinical testing. Allele origin: germline.

Dr. Peter K. Rogan Lab, Western University
No classification provided (evidence only). Condition: Thymoma. Review status: no classification provided. Collection method: in vitro. Allele origin: not applicable. Functional consequence: skipped exon. Not counted in ClinVar's aggregate classification.

Dr. Peter K. Rogan Lab, Western University
No classification provided (evidence only). Condition: Gastric cancer. Review status: no classification provided. Collection method: in vitro. Allele origin: not applicable. Functional consequence: skipped exon. Not counted in ClinVar's aggregate classification.

NM_018075.5(ANO10):c.837A>T (p.Arg279Ser)

Gene: ANO10 (anoctamin 10; minus strand). Cytogenetic location: 3p22.1.
Variant type: single nucleotide variant.
Coding change: c.837A>T on transcript NM_018075.5 (MANE Select); coding-DNA position 837, A replaced by T.
Protein change: p.Arg279Ser; replaces arginine 279 with serine.
Molecular consequence: missense variant. On other transcripts: intron variant (1).
Genome position (GRCh38, 1-based): chr3:43,577,017, T>A on the plus strand (A>T on the coding strand, the complement: ANO10 is on the minus strand). VCF-style: chr3-43577017-T-A. GRCh37 (hg19) VCF-style: chr3-43618509-T-A.
Other names: NC_000003.11:g.43618509T>A; c.837A>T, p.Arg279Ser (NM_001346463.2, NM_001346464.2, NM_001346465.2 and 3 more transcripts); c.639A>T, p.Arg213Ser (NM_001346466.2, NM_001346469.2, NM_001204832.3); c.593-2153A>T (NM_001204834.3); c.504A>T, p.Arg168Ser (NM_001204833.3); short protein forms R168S, R213S, R279S.
Identifiers: ClinVar variation 901812 (VCV000901812.16), dbSNP rs374795191, ClinGen allele CA2340936.